The following is an entry in ClinVar:

NM_182493.3(MYLK3):c.1985+3A>G

Gene: MYLK3 (myosin light chain kinase 3; minus strand). Cytogenetic location: 16q11.2.
Variant type: single nucleotide variant.
Coding change: c.1985+3A>G on transcript NM_182493.3 (MANE Select); 3 bases into the intron after coding-DNA position 1985, A replaced by G.
Molecular consequence: intron variant.
Genome position (GRCh38, 1-based): chr16:46,721,120, T>C on the plus strand (A>G on the coding strand, the complement: MYLK3 is on the minus strand). VCF-style: chr16-46721120-T-C. GRCh37 (hg19) VCF-style: chr16-46755032-T-C.
Other names: c.962+3A>G (NM_001308301.1).
Identifiers: ClinVar variation 3620459 (VCV003620459.2).

ClinVar aggregate classification (germline): Uncertain significance (1 of 4 stars; one submission).

Submission:

Labcorp Genetics (formerly Invitae), Labcorp
Classification: Uncertain significance. Last evaluated: 2024-04-29. Review status: criteria provided, single submitter. Criteria: Invitae Variant Classification Sherloc (09022015). Collection method: clinical testing. Allele origin: germline.
Comment: This sequence change falls in intron 9 of the MYLK3 gene. It does not directly change the encoded amino acid sequence of the MYLK3 protein. It affects a nucleotide within the consensus splice site. This variant is not present in population databases (gnomAD no frequency). This variant has not been reported in the literature in individuals affected with MYLK3-related conditions. Variants that disrupt the consensus splice site are a relatively common cause of aberrant splicing (PMID: 17576681, 9536098). Algorithms developed to predict the effect of sequence changes on RNA splicing suggest that this variant may disrupt the consensus splice site. In summary, the available evidence is currently insufficient to determine the role of this variant in disease. Therefore, it has been classified as a Variant of Uncertain Significance.

Literature cited by the submitters: PubMed 17576681; PubMed 9536098.